The following is an entry in ClinVar:

NM_001003722.2(GLE1):c.653del (p.Leu218fs)

Gene: GLE1 (GLE1 RNA export mediator; plus strand). Cytogenetic location: 9q34.11.
Variant type: Deletion.
Coding change: c.653del on transcript NM_001003722.2 (MANE Select); coding-DNA position 653, one base deleted (T; older notation c.653delT).
Protein change: p.Leu218fs; shifts the reading frame from leucine 218.
Molecular consequence: frameshift variant.
Genome position (GRCh38, 1-based): chr9:128,523,602, T deleted. VCF-style (leftmost placement, unchanged base first): chr9-128523601-CT-C. GRCh37 (hg19) VCF-style: chr9-131285880-CT-C.
Other names: c.653del, p.Leu218fs (NM_001411013.1, NM_001499.2); short protein forms L218fs.
Identifiers: ClinVar variation 4884281 (VCV004884281.2).

ClinVar aggregate classification (germline): Likely pathogenic (1 of 4 stars; one submission).

Conditions:
Lethal arthrogryposis-anterior horn cell disease syndrome (CAAHD). Also called: CONGENITAL ARTHROGRYPOSIS WITH ANTERIOR HORN CELL DISEASE. Identifiers: Orphanet 53696, MedGen C5193016, MONDO:0012750, OMIM 611890.

Submission:

Dasa
Classification: Likely pathogenic for Lethal arthrogryposis-anterior horn cell disease syndrome. Last evaluated: 2025-12-20. Review status: criteria provided, single submitter. Criteria: DASA Assertion Criteria. Collection method: clinical testing. Allele origin: germline.
Comment: NM_001003722.2(GLE1):c.653del (p.Leu218Argfs*11) is a frameshift variant in GLE1 predicted to alter the reading frame and introduce a premature termination codon and is predicted to result in an absent or altered protein product. Loss of function is an established disease mechanism for GLE1-associated disorders. Also, this variant is rare in population databases. Based on the currently available evidence, this variant is classified as likely pathogenic.